The following is an entry in ClinVar:

ClinVar aggregate classification (germline): Uncertain significance. Review status: criteria provided, multiple submitters, no conflicts (2 of 4 stars). 2 submissions from 2 submitters: Uncertain significance (2). Last evaluated 2026-01-24.

Allele frequency attached by ClinVar (database versions not stated): gnomAD exomes 0.00001; ESP Exome Variant Server 0.00038; ExAC 0.00010; TOPMed 0.00014; gnomAD 0.00014.
gnomAD v4.1: 28 of 1,205,095 alleles (0.0023%); highest among the groups gnomAD compares: African/African-American, 0.049%; no homozygotes.

Submissions (2):

Labcorp Genetics (formerly Invitae), Labcorp
Classification: Uncertain significance. Last evaluated: 2026-01-24. Review status: criteria provided, single submitter. Criteria: Invitae Variant Classification Sherloc (09022015). Collection method: clinical testing. Allele origin: germline.
Comment: This sequence change replaces leucine, which is neutral and non-polar, with phenylalanine, which is neutral and non-polar, at codon 496 of the TBC1D8B protein (p.Leu496Phe). This variant is present in population databases (rs148100082, gnomAD 0.06%). This variant has not been reported in the literature in individuals affected with TBC1D8B-related conditions. ClinVar contains an entry for this variant (Variation ID: 3174711). An algorithm developed to predict the effect of missense changes on protein structure and function (PolyPhen-2) suggests that this variant is likely to be disruptive. In summary, the available evidence is currently insufficient to determine the role of this variant in disease. Therefore, it has been classified as a Variant of Uncertain Significance.

Ambry Genetics
Classification: Uncertain significance. Last evaluated: 2023-12-09. Review status: criteria provided, single submitter. Criteria: Ambry Variant Classification Scheme 2023. Collection method: clinical testing. Allele origin: germline.

NM_017752.3(TBC1D8B):c.1486C>T (p.Leu496Phe)

Gene: TBC1D8B (TBC1 domain family member 8B; plus strand). Cytogenetic location: Xq22.3.
Variant type: single nucleotide variant.
Coding change: c.1486C>T on transcript NM_017752.3 (MANE Select); coding-DNA position 1486, C replaced by T.
Protein change: p.Leu496Phe; replaces leucine 496 with phenylalanine.
Molecular consequence: missense variant.
Genome position (GRCh38, 1-based): chrX:106,840,180, C>T. VCF-style: chrX-106840180-C-T. GRCh37 (hg19) VCF-style: chrX-106083410-C-T.
Other names: c.1486C>T, p.Leu496Phe (NM_198881.2); short protein forms L496F.
Identifiers: ClinVar variation 3174711 (VCV003174711.3), dbSNP rs148100082, ClinGen allele CA10483139.